The following is an entry in ClinVar:

NR_033294.2(SNORD118):n.106C>T

Genes: SNORD118 (small nucleolar RNA, C/D box 118; minus strand), TMEM107 (transmembrane protein 107; minus strand). Cytogenetic location: 17p13.1.
Variant type: single nucleotide variant.
Molecular consequence: non-coding transcript variant (on NR_033294.2). On other transcripts: 3 prime UTR variant (5).
Genome position: GRCh38 VCF-style: chr17-8173483-G-A. GRCh37 (hg19) VCF-style: chr17-8076801-G-A.
Other names: c.*720C>T (NM_001351278.2, NM_001351279.2, NM_001351280.2 and 2 more transcripts).
Identifiers: ClinVar variation 1588293 (VCV001588293.37), dbSNP rs141568482, ClinGen allele CA8370620.

ClinVar aggregate classification (germline): Benign/Likely benign. Review status: criteria provided, multiple submitters, no conflicts (2 of 4 stars). 3 submissions from 3 submitters: Benign (1); Likely benign (2). Last evaluated 2025-12-01.

Allele frequency attached by ClinVar (database versions not stated): 1000 Genomes Project 0.00280.
gnomAD v4.1: 1,101 of 764,976 alleles (0.14%); highest among the groups gnomAD compares: East Asian, 0.61%; 6 homozygotes.

Submissions (3):

CeGaT Center for Human Genetics Tuebingen
Classification: Likely benign. Last evaluated: 2025-12-01. Review status: criteria provided, single submitter. Criteria: CeGaT Center For Human Genetics Tuebingen Variant Classification Criteria Version 2. Collection method: clinical testing. Allele origin: germline. Affected: yes. Observed: 8 variant alleles.
Comment: SNORD118: BS2

Labcorp Genetics (formerly Invitae), Labcorp
Classification: Benign. Last evaluated: 2025-11-03. Review status: criteria provided, single submitter. Criteria: Invitae Variant Classification Sherloc (09022015). Collection method: clinical testing. Allele origin: germline.

Blueprint Genetics
Classification: Likely benign. Last evaluated: 2024-11-13. Review status: criteria provided, single submitter. Criteria: ACMG Guidelines, 2015. Collection method: clinical testing. Allele origin: germline.